The following is an entry in ClinVar:

ClinVar aggregate classification (germline): Conflicting classifications of pathogenicity. Review status: criteria provided, conflicting classifications (1 of 4 stars). 5 submissions from 5 submitters: Uncertain significance (4); Benign (1). Last evaluated 2025-12-23.

Conditions:
Ullrich congenital muscular dystrophy 2 (UCMD2). Identifiers: Orphanet 75840, MedGen C4225314, MONDO:0014654, OMIM 616470.
Bethlem myopathy 2 (BTHLM2). Identifiers: Orphanet 536516, Orphanet 610, MedGen C4225313, MONDO:0034022, OMIM 616471.
COL12A1-related disorder. Also called: COL12A1-related condition.
Inborn genetic diseases. Identifiers: MedGen C0950123, MeSH D030342.

Allele frequency attached by ClinVar (database versions not stated): gnomAD exomes 0.00004 and 0.00010; ExAC 0.00012; 1000 Genomes Project 30x 0.00016; 1000 Genomes Project 0.00020; ESP Exome Variant Server 0.00024; gnomAD 0.00046 and 0.00048; TOPMed 0.00038.
gnomAD v4.1: 129 of 1,614,170 alleles (0.008%); highest among the groups gnomAD compares: African/African-American, 0.16%; no homozygotes.

Submissions (5):

Labcorp Genetics (formerly Invitae), Labcorp
Classification: Benign for Bethlem myopathy 2; Ullrich congenital muscular dystrophy 2. Last evaluated: 2025-12-23. Review status: criteria provided, single submitter. Criteria: Invitae Variant Classification Sherloc (09022015). Collection method: clinical testing. Allele origin: germline.

Revvity Omics, Revvity
Classification: Uncertain significance. Last evaluated: 2025-01-09. Review status: criteria provided, single submitter. Criteria: ACMG Guidelines, 2015. Collection method: clinical testing. Allele origin: germline.

PreventionGenetics, part of Exact Sciences
Classification: Uncertain significance for COL12A1-related condition. Last evaluated: 2023-05-25. Review status: criteria provided, single submitter. Criteria: ACMG Guidelines, 2015. Collection method: clinical testing. Allele origin: germline.
Comment: The COL12A1 c.2588G>A variant is predicted to result in the amino acid substitution p.Gly863Glu. To our knowledge, this variant has not been reported in the literature. This variant is reported in 0.19% of alleles in individuals of African descent in gnomAD. Although we suspect that this variant may be benign, at this time, the clinical significance of this variant is uncertain due to the absence of conclusive functional and genetic evidence.

GeneDx
Classification: Uncertain significance. Last evaluated: 2022-10-18. Review status: criteria provided, single submitter. Criteria: GeneDx Variant Classification Process June 2021. Collection method: clinical testing. Allele origin: germline. Affected: yes.
Comment: In silico analysis supports that this missense variant has a deleterious effect on protein structure/function; Has not been previously published as pathogenic or benign to our knowledge

Ambry Genetics
Classification: Uncertain significance for Inborn genetic diseases. Last evaluated: 2022-09-27. Review status: criteria provided, single submitter. Criteria: Ambry Variant Classification Scheme 2023. Collection method: clinical testing. Allele origin: germline.

NM_004370.6(COL12A1):c.2588G>A (p.Gly863Glu)

Gene: COL12A1 (collagen type XII alpha 1 chain; minus strand). Cytogenetic location: 6q13.
Variant type: single nucleotide variant.
Coding change: c.2588G>A on transcript NM_004370.6 (MANE Select); coding-DNA position 2588, G replaced by A.
Protein change: p.Gly863Glu; replaces glycine 863 with glutamic acid.
Molecular consequence: missense variant. On other transcripts: intron variant (1).
Genome position (GRCh38, 1-based): chr6:75,175,160, C>T on the plus strand (G>A on the coding strand, the complement: COL12A1 is on the minus strand). VCF-style: chr6-75175160-C-T. GRCh37 (hg19) VCF-style: chr6-75884876-C-T.
Other names: c.74-22678G>A (NM_080645.3); short protein forms G863E.
Identifiers: ClinVar variation 565445 (VCV000565445.18), dbSNP rs370388701, ClinGen allele CA3893940.